The following is an entry in ClinVar:

ClinVar aggregate classification (germline): Uncertain significance. Review status: criteria provided, single submitter (1 of 4 stars). 2 submissions from 2 submitters: Uncertain significance (1). 1 of the submissions does not count toward it. Last evaluated 2021-09-18.

Conditions:
MHC class II deficiency. Also called: Bare lymphocyte syndrome 2; BLS, TYPE II. Identifiers: Orphanet 572, MedGen C5447452, MONDO:0008855.

Submissions (2):

Labcorp Genetics (formerly Invitae), Labcorp
Classification: Uncertain significance for MHC class II deficiency. Last evaluated: 2021-09-18. Review status: criteria provided, single submitter. Criteria: Invitae Variant Classification Sherloc (09022015). Collection method: clinical testing. Allele origin: germline.
Comment: This variant, c.180_182del, results in the deletion of 1 amino acid(s) of the CIITA protein (p.Glu61del), but otherwise preserves the integrity of the reading frame. This variant is not present in population databases (ExAC no frequency). This variant has not been reported in the literature in individuals affected with CIITA-related conditions. Experimental studies and prediction algorithms are not available or were not evaluated, and the functional significance of this variant is currently unknown. In summary, the available evidence is currently insufficient to determine the role of this variant in disease. Therefore, it has been classified as a Variant of Uncertain Significance.

Natera, Inc.
Classification: Uncertain significance for Bare lymphocyte syndrome type II. Last evaluated: 2020-03-13. Review status: no assertion criteria provided. Collection method: clinical testing. Allele origin: germline. Not counted in ClinVar's aggregate classification.

NM_000246.4(CIITA):c.174AGA[2] (p.Glu61del)

Gene: CIITA (class II major histocompatibility complex transactivator; plus strand). Cytogenetic location: 16p13.13.
Variant type: Microsatellite.
Coding change: c.174AGA[2] on transcript NM_000246.4 (MANE Select); two copies in a row of the 3-base unit AGA starting at c.174; the reference has three copies in a row; one copy, 3 bases deleted; also written c.180_182del.
Protein change: p.Glu61del; deletes glutamic acid 61.
Molecular consequence: inframe deletion. On other transcripts: non-coding transcript variant (1).
Genome position (GRCh38, 1-based): chr16:10,895,409-10,895,411, AGA deleted; deleting any 3 consecutive bases within chr16:10,895,403-10,895,411 gives the same sequence; the position shown is the placement nearest the transcript's 3' end. VCF-style (leftmost placement, unchanged base first): chr16-10895402-GAGA-G. GRCh37 (hg19) VCF-style: chr16-10989259-GAGA-G.
Other names: c.180_182del (NM_000246.4, NM_000246.3); c.174AGA[2], p.Glu61del (NM_001286402.1, NM_001286403.2, NM_001379330.1 and 3 more transcripts); c.102AGA[2], p.Glu37del (NM_001379334.1); short protein forms E61del, E37del.
Identifiers: ClinVar variation 954718 (VCV000954718.8), dbSNP rs2038022645, ClinGen allele CA2207323116.